The following is an entry in ClinVar:

NM_001267550.2(TTN):c.106915G>A (p.Val35639Ile)

Genes: TTN-AS1 (TTN antisense RNA 1; plus strand), TTN (titin; minus strand). Cytogenetic location: 2q31.2.
Variant type: single nucleotide variant.
Coding change: c.106915G>A on transcript NM_001267550.2 (MANE Select); coding-DNA position 106915, G replaced by A.
Protein change: p.Val35639Ile; replaces valine 35639 with isoleucine.
Molecular consequence: missense variant.
Genome position (GRCh38, 1-based): chr2:178,528,836, C>T on the plus strand (G>A on the coding strand, the complement: TTN is on the minus strand). VCF-style: chr2-178528836-C-T. GRCh37 (hg19) VCF-style: chr2-179393563-C-T.
Other names: c.101992G>A, p.Val33998Ile (NM_001256850.1); c.79720G>A, p.Val26574Ile (NM_003319.4); c.99211G>A, p.Val33071Ile (NM_133378.4); c.80095G>A, p.Val26699Ile (NM_133432.3); c.80296G>A, p.Val26766Ile (NM_133437.4); short protein forms V33071I, V35639I, V26574I, V26699I, V33998I, V26766I.
Identifiers: ClinVar variation 1366336 (VCV001366336.8), dbSNP rs557752216, ClinGen allele CA349402659.

ClinVar aggregate classification (germline): Uncertain significance (1 of 4 stars; one submission).

Conditions:
Dilated cardiomyopathy 1G (CMD1G). Identifiers: Orphanet 154, MedGen C1858763, MONDO:0011400, OMIM 604145.
Autosomal recessive limb-girdle muscular dystrophy type 2J (LGMDR10). Also called: Limb-girdle muscular dystrophy, type 2J; MUSCULAR DYSTROPHY, LIMB-GIRDLE, AUTOSOMAL RECESSIVE 10. Identifiers: Orphanet 140922, MedGen C1837342, MONDO:0012127, OMIM 608807.

gnomAD v4.1: 2 of 1,613,944 alleles (0.00012%); highest among the groups gnomAD compares: East Asian, 0.0022%; no homozygotes.

Submission:

Labcorp Genetics (formerly Invitae), Labcorp
Classification: Uncertain significance for Dilated cardiomyopathy 1G; Autosomal recessive limb-girdle muscular dystrophy type 2J. Last evaluated: 2022-02-24. Review status: criteria provided, single submitter. Criteria: Invitae Variant Classification Sherloc (09022015). Collection method: clinical testing. Allele origin: germline.
Comment: Algorithms developed to predict the effect of missense changes on protein structure and function output the following: SIFT: "Not Available"; PolyPhen-2: "Not Available"; Align-GVGD: "Not Available". The isoleucine amino acid residue is found in multiple mammalian species, which suggests that this missense change does not adversely affect protein function. This variant has not been reported in the literature in individuals affected with TTN-related conditions. This variant is not present in population databases (gnomAD no frequency). This sequence change replaces valine, which is neutral and non-polar, with isoleucine, which is neutral and non-polar, at codon 35639 of the TTN protein (p.Val35639Ile). This variant is located in the M band of TTN (PMID: 25589632). Variants in this region may be relevant for neuromuscular disorders, but have not been definitively shown to cause cardiomyopathy (PMID: 23975875). In summary, the available evidence is currently insufficient to determine the role of this variant in disease. Therefore, it has been classified as a Variant of Uncertain Significance.

Literature cited by the submitters: PubMed 25589632; PubMed 23975875.